The following is an entry in ClinVar:

ClinVar aggregate classification (germline): Uncertain significance. Review status: criteria provided, multiple submitters, no conflicts (2 of 4 stars). 2 submissions from 2 submitters: Uncertain significance (2). Last evaluated 2026-05-26.

Conditions:
RP1-related disorder. Also called: RP1-related condition.

Allele frequency attached by ClinVar (database versions not stated): gnomAD 0.00001; gnomAD exomes 0.00001; TOPMed 0.00001; ExAC 0.00002.
gnomAD v4.1: 11 of 1,614,056 alleles (0.00068%); highest among the groups gnomAD compares: African/African-American, 0.0027%; no homozygotes.

Submissions (2):

PreventionGenetics, part of Exact Sciences
Classification: Uncertain significance for RP1-related condition. Last evaluated: 2026-05-26. Review status: criteria provided, single submitter. Criteria: ACMG Guidelines, 2015. Collection method: clinical testing. Allele origin: germline.
Comment: The RP1 c.3956A>G variant is predicted to result in the amino acid substitution p.Glu1319Gly. To our knowledge, this variant has not been reported in the literature. This variant is reported in 0.0062% of alleles in individuals of African descent in gnomAD. At this time, the clinical significance of this variant is uncertain due to the absence of conclusive functional and genetic evidence.

Labcorp Genetics (formerly Invitae), Labcorp
Classification: Uncertain significance. Last evaluated: 2022-11-01. Review status: criteria provided, single submitter. Criteria: Invitae Variant Classification Sherloc (09022015). Collection method: clinical testing. Allele origin: germline.
Comment: In summary, the available evidence is currently insufficient to determine the role of this variant in disease. Therefore, it has been classified as a Variant of Uncertain Significance. Algorithms developed to predict the effect of missense changes on protein structure and function output the following: SIFT: "Deleterious"; PolyPhen-2: "Benign"; Align-GVGD: "Class C0". The glycine amino acid residue is found in multiple mammalian species, which suggests that this missense change does not adversely affect protein function. This missense change has been observed in individual(s) with retinitis pigmentosa (PMID: 25494902). This variant is present in population databases (rs776251277, gnomAD 0.007%). This sequence change replaces glutamic acid, which is acidic and polar, with glycine, which is neutral and non-polar, at codon 1319 of the RP1 protein (p.Glu1319Gly).

Literature cited by the submitters: PubMed 25494902 (cited by Labcorp Genetics (formerly Invitae), Labcorp).

NM_006269.2(RP1):c.3956A>G (p.Glu1319Gly)

Gene: RP1 (RP1 axonemal microtubule associated; plus strand). Cytogenetic location: 8q12.1.
Variant type: single nucleotide variant.
Coding change: c.3956A>G on transcript NM_006269.2 (MANE Select); coding-DNA position 3956, A replaced by G.
Protein change: p.Glu1319Gly; replaces glutamic acid 1319 with glycine.
Molecular consequence: missense variant. On other transcripts: intron variant (1).
Genome position (GRCh38, 1-based): chr8:54,627,838, A>G. VCF-style: chr8-54627838-A-G. GRCh37 (hg19) VCF-style: chr8-55540398-A-G.
Other names: c.3956A>G (NM_006269.1); c.787+5550A>G (NM_001375654.1); short protein forms E1319G.
Identifiers: ClinVar variation 1948148 (VCV001948148.6), dbSNP rs776251277, ClinGen allele CA4751777.